The following is an entry in ClinVar:

NM_022051.3(EGLN1):c.1103C>T (p.Ser368Phe)

Gene: EGLN1 (egl-9 family hypoxia inducible factor 1; minus strand). Cytogenetic location: 1q42.2.
Variant type: single nucleotide variant.
Coding change: c.1103C>T on transcript NM_022051.3 (MANE Select); coding-DNA position 1103, C replaced by T.
Protein change: p.Ser368Phe; replaces serine 368 with phenylalanine.
Molecular consequence: missense variant. On other transcripts: intron variant (1).
Genome position (GRCh38, 1-based): chr1:231,370,607, G>A on the plus strand (C>T on the coding strand, the complement: EGLN1 is on the minus strand). VCF-style: chr1-231370607-G-A. GRCh37 (hg19) VCF-style: chr1-231506353-G-A.
Other names: c.1103C>T, p.Ser368Phe (NM_001377260.1); c.1012-2971C>T (NM_001377261.1); short protein forms S368F.
Identifiers: ClinVar variation 3507238 (VCV003507238.1).

ClinVar aggregate classification (germline): Uncertain significance (1 of 4 stars; one submission).

Submission:

Ambry Genetics
Classification: Uncertain significance. Last evaluated: 2024-10-25. Review status: criteria provided, single submitter. Criteria: Ambry Variant Classification Scheme 2023. Collection method: clinical testing. Allele origin: germline.
Comment: The p.S368F variant (also known as c.1103C>T), located in coding exon 3 of the EGLN1 gene, results from a C to T substitution at nucleotide position 1103. The serine at codon 368 is replaced by phenylalanine, an amino acid with highly dissimilar properties. This amino acid position is conserved. In addition, this alteration is predicted to be deleterious by in silico analysis. Based on the available evidence, the clinical significance of this variant remains unclear.